The following is an entry in ClinVar:

NM_172351.3(CD46):c.476-41A>T

Gene: CD46 (CD46 molecule; plus strand). Cytogenetic location: 1q32.2.
Variant type: single nucleotide variant.
Coding change: c.476-41A>T on transcript NM_172351.3 (MANE Select); 41 bases into the intron before coding-DNA position 476, A replaced by T.
Molecular consequence: intron variant.
Genome position (GRCh38, 1-based): chr1:207,761,208, A>T. VCF-style: chr1-207761208-A-T. GRCh37 (hg19) VCF-style: chr1-207934553-A-T.
Other names: NC_000001.10:g.207934553A>T; c.476-41A>T (NM_002389.4, NM_172359.3, NM_153826.4 and 8 more transcripts).
Identifiers: ClinVar variation 1271165 (VCV001271165.4), dbSNP rs41258244, ClinGen allele CA1371645.
Genomic context (GRCh38, chr1:207,761,208, plus strand): 5'-TGTAGAAACCCTATATTGACAAATTTATTGAAGACACAGAAATTTTACTAATGCTGTCTT[A>T]ATCTTTTACATTTCCTTTCCTCTTTTTCTTCATTTTTAAGAGGTTTTGTGTACACCACCT-3'

ClinVar aggregate classification (germline): Benign. Review status: criteria provided, multiple submitters, no conflicts (2 of 4 stars). 3 submissions from 3 submitters: Benign (3). Last evaluated 2026-09-17.

Conditions:
Atypical hemolytic-uremic syndrome. Identifiers: Orphanet 2134, MedGen C2931788, MONDO:0016244.

Allele frequency attached by ClinVar (database versions not stated): 1000 Genomes Project 30x 0.02858; 1000 Genomes Project 0.02875; TOPMed 0.03980; gnomAD 0.04388 and 0.04403; gnomAD exomes 0.04550 and 0.06333; ESP Exome Variant Server 0.04623; ExAC 0.05976.
gnomAD v4.1: 79,958 of 1,319,276 alleles (6.1%); highest among the groups gnomAD compares: Non-Finnish European, 7.2%; 2,816 homozygotes.

Submissions (15):

Genomenon, Inc
Classification: Benign for Atypical hemolytic-uremic syndrome. Last evaluated: 2026-09-17. Review status: criteria provided, single submitter. Criteria: Genomenon Sequence Variant Interpretation Standards - Updated. Collection method: curation. Allele origin: germline. Affected: no.
Comment: CD46 c.476-41A>T is an intronic variant located in intron 4. This variant is present at high allele frequency in population databases. We classify CD46 c.476-41A>T as a benign variant.

GeneDx
Classification: Benign. Last evaluated: 2021-06-21. Review status: criteria provided, single submitter. Criteria: GeneDx Variant Classification Process June 2021. Collection method: clinical testing. Allele origin: germline. Affected: yes.

Breakthrough Genomics
Classification: Benign. Review status: criteria provided, single submitter. Criteria: ACMG Guidelines, 2015. Collection method: not provided. Allele origin: germline. Inheritance: Autosomal recessive inheritance. Affected: yes.

Dr. Peter K. Rogan Lab, Western University
No classification provided (evidence only). Condition: Uterine corpus endometrial carcinoma. Review status: no classification provided. Collection method: in vitro. Allele origin: not applicable. Functional consequence: retained intron. Not counted in ClinVar's aggregate classification.

Dr. Peter K. Rogan Lab, Western University
No classification provided (evidence only). Condition: Uterine corpus endometrial carcinoma. Review status: no classification provided. Collection method: in vitro. Allele origin: not applicable. Functional consequence: retained intron. Not counted in ClinVar's aggregate classification.

Dr. Peter K. Rogan Lab, Western University
No classification provided (evidence only). Condition: Thymoma. Review status: no classification provided. Collection method: in vitro. Allele origin: not applicable. Functional consequence: retained intron. Not counted in ClinVar's aggregate classification.

Dr. Peter K. Rogan Lab, Western University
No classification provided (evidence only). Condition: Thymoma. Review status: no classification provided. Collection method: in vitro. Allele origin: not applicable. Functional consequence: retained intron. Not counted in ClinVar's aggregate classification.

Dr. Peter K. Rogan Lab, Western University
No classification provided (evidence only). Condition: Thymoma. Review status: no classification provided. Collection method: in vitro. Allele origin: not applicable. Functional consequence: retained intron. Not counted in ClinVar's aggregate classification.

Dr. Peter K. Rogan Lab, Western University
No classification provided (evidence only). Condition: Cholangiocarcinoma. Review status: no classification provided. Collection method: in vitro. Allele origin: not applicable. Functional consequence: skipped exon, retained intron. Not counted in ClinVar's aggregate classification.

Dr. Peter K. Rogan Lab, Western University
No classification provided (evidence only). Condition: Cholangiocarcinoma. Review status: no classification provided. Collection method: in vitro. Allele origin: not applicable. Functional consequence: retained intron. Not counted in ClinVar's aggregate classification.

Dr. Peter K. Rogan Lab, Western University
No classification provided (evidence only). Condition: Gastric cancer. Review status: no classification provided. Collection method: in vitro. Allele origin: not applicable. Functional consequence: retained intron. Not counted in ClinVar's aggregate classification.

Dr. Peter K. Rogan Lab, Western University
No classification provided (evidence only). Condition: Gastric cancer. Review status: no classification provided. Collection method: in vitro. Allele origin: not applicable. Functional consequence: retained intron. Not counted in ClinVar's aggregate classification.

Dr. Peter K. Rogan Lab, Western University
No classification provided (evidence only). Condition: Gastric cancer. Review status: no classification provided. Collection method: in vitro. Allele origin: not applicable. Functional consequence: retained intron. Not counted in ClinVar's aggregate classification.

Dr. Peter K. Rogan Lab, Western University
No classification provided (evidence only). Condition: Gastric cancer. Review status: no classification provided. Collection method: in vitro. Allele origin: not applicable. Functional consequence: retained intron. Not counted in ClinVar's aggregate classification.

Dr. Peter K. Rogan Lab, Western University
No classification provided (evidence only). Condition: Gastric cancer. Review status: no classification provided. Collection method: in vitro. Allele origin: not applicable. Functional consequence: retained intron. Not counted in ClinVar's aggregate classification.